The following is an entry in ClinVar:

ClinVar aggregate classification (germline): Uncertain significance (1 of 4 stars; one submission).

Conditions:
Inborn genetic diseases. Identifiers: MedGen C0950123, MeSH D030342.

Submission:

Ambry Genetics
Classification: Uncertain significance for Inborn genetic diseases. Last evaluated: 2024-03-18. Review status: criteria provided, single submitter. Criteria: Ambry Variant Classification Scheme 2023. Collection method: clinical testing. Allele origin: germline.
Comment: The p.E522D variant (also known as c.1566G>C), located in coding exon 14 of the LRRK2 gene, results from a G to C substitution at nucleotide position 1566. The glutamic acid at codon 522 is replaced by aspartic acid, an amino acid with highly similar properties. This amino acid position is conserved. In addition, this alteration is predicted to be tolerated by in silico analysis. Based on the available evidence, the clinical significance of this alteration remains unclear.

NM_198578.4(LRRK2):c.1566G>C (p.Glu522Asp)

Gene: LRRK2 (leucine rich repeat kinase 2; plus strand). Cytogenetic location: 12q12.
Variant type: single nucleotide variant.
Coding change: c.1566G>C on transcript NM_198578.4 (MANE Select); coding-DNA position 1566, G replaced by C.
Protein change: p.Glu522Asp; replaces glutamic acid 522 with aspartic acid.
Molecular consequence: missense variant.
Genome position (GRCh38, 1-based): chr12:40,263,811, G>C. VCF-style: chr12-40263811-G-C. GRCh37 (hg19) VCF-style: chr12-40657613-G-C.
Other names: short protein forms E522D.
Identifiers: ClinVar variation 3291923 (VCV003291923.1).